The following is an entry in ClinVar:

ClinVar aggregate classification (germline): Likely benign (1 of 4 stars; one submission).

Allele frequency attached by ClinVar (database versions not stated): gnomAD exomes below 0.00001.
gnomAD v4.1: 5 of 1,613,946 alleles (0.00031%); highest among the groups gnomAD compares: South Asian, 0.0055%; no homozygotes.

Submission:

CeGaT Center for Human Genetics Tuebingen
Classification: Likely benign. Last evaluated: 2022-10-01. Review status: criteria provided, single submitter. Criteria: CeGaT Center For Human Genetics Tuebingen Variant Classification Criteria Version 2. Collection method: clinical testing. Allele origin: germline. Affected: yes. Observed: 1 variant allele.
Comment: HSPG2: BP4, BP7

NM_005529.7(HSPG2):c.2898G>A (p.Glu966=)

Gene: HSPG2 (heparan sulfate proteoglycan 2; minus strand). Cytogenetic location: 1p36.12.
Variant type: single nucleotide variant.
Coding change: c.2898G>A on transcript NM_005529.7 (MANE Select); coding-DNA position 2898, G replaced by A.
Protein change: p.Glu966=; no amino-acid change (glutamic acid 966 retained).
Molecular consequence: synonymous variant.
Genome position (GRCh38, 1-based): chr1:21,876,334, C>T on the plus strand (G>A on the coding strand, the complement: HSPG2 is on the minus strand). VCF-style: chr1-21876334-C-T. GRCh37 (hg19) VCF-style: chr1-22202827-C-T.
Other names: c.2901G>A, p.Glu967= (NM_001291860.2).
Identifiers: ClinVar variation 2638464 (VCV002638464.24), dbSNP rs1209824288, ClinGen allele CA416680913.